The following is an entry in ClinVar:

NM_004360.5(CDH1):c.1397_1409delinsAAA (p.Leu466fs)

Gene: CDH1 (cadherin 1; plus strand). Cytogenetic location: 16q22.1.
Variant type: Indel.
Coding change: c.1397_1409delinsAAA on transcript NM_004360.5 (MANE Select); coding-DNA positions 1397 to 1409, TCACCACCTCCAC replaced by AAA.
Protein change: p.Leu466fs; shifts the reading frame from leucine 466.
Molecular consequence: frameshift variant. On other transcripts: 5 prime UTR variant (2).
Genome position (GRCh38, 1-based): chr16:68,815,591-68,815,603, TCACCACCTCCAC replaced by AAA. VCF-style: chr16-68815591-TCACCACCTCCAC-AAA. GRCh37 (hg19) VCF-style: chr16-68849494-TCACCACCTCCAC-AAA.
Other names: c.1397_1409delinsAAA (LRG_301t1); c.1214_1226delinsAAA, p.Leu405fs (NM_001317184.2); c.-152_-140delinsAAA (NM_001317185.2); c.-423_-411delinsAAA (NM_001317186.2); short protein forms L466fs, L405fs.
Identifiers: ClinVar variation 655990 (VCV000655990.5), dbSNP rs1597897917, ClinGen allele CA915949311.

ClinVar aggregate classification (germline): Pathogenic (1 of 4 stars; one submission).

Conditions:
Hereditary diffuse gastric adenocarcinoma (HDGC). Also called: DIFFUSE GASTRIC AND LOBULAR BREAST CANCER SYNDROME. Identifiers: Orphanet 26106, MedGen C1708349, MONDO:0007648, OMIM 137215.

Submission:

Labcorp Genetics (formerly Invitae), Labcorp
Classification: Pathogenic for Hereditary diffuse gastric adenocarcinoma. Last evaluated: 2023-04-20. Review status: criteria provided, single submitter. Criteria: Invitae Variant Classification Sherloc (09022015). Collection method: clinical testing. Allele origin: germline.
Comment: For these reasons, this variant has been classified as Pathogenic. This premature translational stop signal has been observed in individual(s) with diffuse gastric cancer (PMID: 34949788). Information on the frequency of this variant in the gnomAD database is not available, as this variant may be reported differently in the database. This sequence change creates a premature translational stop signal (p.Leu466Glnfs*12) in the CDH1 gene. It is expected to result in an absent or disrupted protein product. Loss-of-function variants in CDH1 are known to be pathogenic (PMID: 15235021, 20373070).

Literature cited by the submitters: PubMed 34949788; PubMed 15235021; PubMed 20373070.